The following is an entry in ClinVar:

NM_000137.4(FAH):c.81+1G>C

Gene: FAH (fumarylacetoacetate hydrolase; plus strand). Cytogenetic location: 15q25.1.
Variant type: single nucleotide variant.
Coding change: c.81+1G>C on transcript NM_000137.4 (MANE Select); the canonical splice donor site of the intron after coding-DNA position 81, G replaced by C.
Molecular consequence: splice donor variant.
Genome position (GRCh38, 1-based): chr15:80,153,136, G>C. VCF-style: chr15-80153136-G-C. GRCh37 (hg19) VCF-style: chr15-80445478-G-C.
Other names: c.81+1G>C (NM_001374377.1, NM_001374380.1).
Identifiers: ClinVar variation 2429395 (VCV002429395.3), dbSNP rs2041066220, ClinGen allele CA393615673.
Genomic context (GRCh38, chr15:80,153,136, plus strand): 5'-GAGGATTCCGACTTCCCCATCCACAACCTGCCCTACGGCGTCTTCTCGACCAGAGGCGAC[G>C]TGAGCAGTGGGGCTTTGGCGTCCGGGCGCGGGGAGGGAGTGGAGTGGAGTGGAGTGGAGT-3'

ClinVar aggregate classification (germline): Likely pathogenic (1 of 4 stars; one submission).

Submission:

Illumina Laboratory Services, Illumina
Classification: Likely pathogenic. Last evaluated: 2022-11-16. Review status: criteria provided, single submitter. Criteria: ICSL CNVClassificationCriteria Aug2020. Collection method: clinical testing. Allele origin: unknown. Affected: yes.
Comment: The FAH c.81+1G>C variant results in the substitution of a guanine within the consensus splice donor site with a cytosine, which may result in splicing defects. To our knowledge, this variant has not been reported in the peer-reviewed literature. This variant is not found in version 2.1.1 or version 3.1.2 of the Genome Aggregation Database. Based on the available evidence, the c.81+1G>C variant is classified as likely pathogenic for tyrosinemia type 1.